The following is an entry in ClinVar:

ClinVar aggregate classification (germline): Uncertain significance (1 of 4 stars; one submission).

Conditions:
Hereditary cancer-predisposing syndrome. Also called: Tumor predisposition; Hereditary Cancer Syndrome; Hereditary neoplastic syndrome; Neoplastic Syndromes, Hereditary. Identifiers: Orphanet 140162, MedGen C0027672, MeSH D009386, MONDO:0015356.

Submission:

Ambry Genetics
Classification: Uncertain significance for Hereditary cancer-predisposing syndrome. Last evaluated: 2023-09-05. Review status: criteria provided, single submitter. Criteria: Ambry Variant Classification Scheme 2023. Collection method: clinical testing. Allele origin: germline.
Comment: The p.E1307V variant (also known as c.3920A>T), located in coding exon 32 of the TSC2 gene, results from an A to T substitution at nucleotide position 3920. The glutamic acid at codon 1307 is replaced by valine, an amino acid with dissimilar properties. This amino acid position is conserved. In addition, the in silico prediction for this alteration is inconclusive. Since supporting evidence is limited at this time, the clinical significance of this alteration remains unclear.

NM_000548.5(TSC2):c.3920A>T (p.Glu1307Val)

Gene: TSC2 (TSC complex subunit 2; plus strand). Cytogenetic location: 16p13.3.
Variant type: single nucleotide variant.
Coding change: c.3920A>T on transcript NM_000548.5 (MANE Select); coding-DNA position 3920, A replaced by T.
Protein change: p.Glu1307Val; replaces glutamic acid 1307 with valine.
Molecular consequence: missense variant. On other transcripts: non-coding transcript variant (5).
Genome position (GRCh38, 1-based): chr16:2,083,731, A>T. VCF-style: chr16-2083731-A-T. GRCh37 (hg19) VCF-style: chr16-2133732-A-T.
Other names: c.3719A>T, p.Glu1240Val (NM_001077183.3); c.3851A>T, p.Glu1284Val (NM_001114382.3); c.3611A>T, p.Glu1204Val (NM_001318827.2); c.3575A>T, p.Glu1192Val (NM_001318829.2); c.3188A>T, p.Glu1063Val (NM_001318831.2); c.3752A>T, p.Glu1251Val (NM_001318832.2); c.3722A>T, p.Glu1241Val (NM_001363528.2); c.3788A>T, p.Glu1263Val (NM_001370404.1); and 26 more; short protein forms E1063V, E1087V, E1234V, E1236V, E1237V, E1240V, E1247V, E1251V.
Identifiers: ClinVar variation 2626453 (VCV002626453.2), dbSNP rs2151511236, ClinGen allele CA394297141.